The following is an entry in ClinVar:

NM_017436.7(A4GALT):c.300G>C (p.Ser100=)

Gene: A4GALT (alpha 1,4-galactosyltransferase (P1PK blood group); minus strand). Cytogenetic location: 22q13.2.
Variant type: single nucleotide variant.
Coding change: c.300G>C on transcript NM_017436.7 (MANE Select); coding-DNA position 300, G replaced by C.
Protein change: p.Ser100=; no amino-acid change (serine 100 retained).
Molecular consequence: synonymous variant.
Genome position (GRCh38, 1-based): chr22:42,693,652, C>G on the plus strand (G>C on the coding strand, the complement: A4GALT is on the minus strand). VCF-style: chr22-42693652-C-G. GRCh37 (hg19) VCF-style: chr22-43089658-C-G.
Other names: c.300G>C, p.Ser100= (NM_001318038.3).
Identifiers: ClinVar variation 778957 (VCV000778957.12), dbSNP rs28915381, ClinGen allele CA10270335.

ClinVar aggregate classification (germline): Benign. Review status: criteria provided, multiple submitters, no conflicts (2 of 4 stars). 3 submissions from 3 submitters: Benign (2). 1 of the submissions does not count toward it. Last evaluated 2026-01-27.

Conditions:
A4GALT-related disorder. Also called: A4GALT-related condition.

Allele frequency attached by ClinVar (database versions not stated): gnomAD 0.01376 and 0.01452; TOPMed 0.01509; ESP Exome Variant Server 0.01722; 1000 Genomes Project 0.01737; 1000 Genomes Project 30x 0.01999.
gnomAD v4.1: 5,032 of 1,612,150 alleles (0.31%); highest among the groups gnomAD compares: African/African-American, 4.4%; 62 homozygotes.

Submissions (3):

Labcorp Genetics (formerly Invitae), Labcorp
Classification: Benign. Last evaluated: 2026-01-27. Review status: criteria provided, single submitter. Criteria: Invitae Variant Classification Sherloc (09022015). Collection method: clinical testing. Allele origin: germline.

Breakthrough Genomics
Classification: Benign. Review status: criteria provided, single submitter. Criteria: ACMG Guidelines, 2015. Collection method: not provided. Allele origin: germline. Inheritance: Unknown mechanism. Affected: yes.

PreventionGenetics, part of Exact Sciences
Classification: Benign for A4GALT-related condition. Last evaluated: 2019-07-01. Review status: no assertion criteria provided. Collection method: clinical testing. Allele origin: germline. Not counted in ClinVar's aggregate classification.
Comment: This variant is classified as benign based on ACMG/AMP sequence variant interpretation guidelines (Richards et al. 2015 PMID: 25741868, with internal and published modifications).